The following is an entry in ClinVar:

ClinVar aggregate classification (germline): Conflicting classifications of pathogenicity. Review status: criteria provided, conflicting classifications (1 of 4 stars). 4 submissions from 4 submitters: Uncertain significance (3); Benign (1). Last evaluated 2024-05-24.

Conditions:
Epilepsy, childhood absence, susceptibility to, 6. Identifiers: Orphanet 64280, MedGen C2749872, MONDO:0012763, OMIM 611942.
Hyperaldosteronism, familial, type IV (HALD4). Also called: FH IV; ALDOSTERONISM, PRIMARY, AND HYPERTENSION. Identifiers: Orphanet 642671, MedGen C4310756, MONDO:0014875, OMIM 617027.
Idiopathic generalized epilepsy. Also called: EIG; Generalised epilepsy. Identifiers: MedGen C0270850, MONDO:0005579, OMIM 600669.
Inborn genetic diseases. Identifiers: MedGen C0950123, MeSH D030342.

Allele frequency attached by ClinVar (database versions not stated): gnomAD exomes 0.00001; gnomAD 0.00005; TOPMed 0.00005; ESP Exome Variant Server 0.00025.
gnomAD v4.1: 14 of 1,559,220 alleles (0.0009%); highest among the groups gnomAD compares: African/African-American, 0.019%; no homozygotes.

Submissions (4):

Fulgent Genetics
Classification: Uncertain significance for Epilepsy, childhood absence, susceptibility to, 6; Hyperaldosteronism, familial, type IV. Last evaluated: 2024-05-24. Review status: criteria provided, single submitter. Criteria: ACMG Guidelines, 2015. Collection method: clinical testing. Allele origin: germline.

Labcorp Genetics (formerly Invitae), Labcorp
Classification: Benign for Idiopathic generalized epilepsy; Hyperaldosteronism, familial, type IV. Last evaluated: 2024-02-22. Review status: criteria provided, single submitter. Criteria: Invitae Variant Classification Sherloc (09022015). Collection method: clinical testing. Allele origin: germline.

Women's Health and Genetics/Laboratory Corporation of America, LabCorp
Classification: Uncertain significance. Last evaluated: 2023-08-23. Review status: criteria provided, single submitter. Criteria: LabCorp Variant Classification Summary - May 2015. Collection method: clinical testing. Allele origin: germline.
Comment: Variant summary: CACNA1H c.1918C>G (p.Pro640Ala) results in a non-conservative amino acid change in the encoded protein sequence. Four of five in-silico tools predict a benign effect of the variant on protein function. The variant allele was found at a frequency of 1.9e-05 in 158824 control chromosomes (gnomAD). The available data on variant occurrences in the general population are insufficient to allow any conclusion about variant significance. To our knowledge, no occurrence of c.1918C>G in individuals affected with Idiopathic Generalized Epilepsy and no experimental evidence demonstrating its impact on protein function have been reported. One submitter has cited a clinical-significance assessment for this variant to ClinVar after 2014 and has classified the variant as uncertain significance. Based on the evidence outlined above, the variant was classified as uncertain significance.

Ambry Genetics
Classification: Uncertain significance for Inborn genetic diseases. Last evaluated: 2022-01-05. Review status: criteria provided, single submitter. Criteria: Ambry Variant Classification Scheme 2023. Collection method: clinical testing. Allele origin: germline.

NM_021098.3(CACNA1H):c.1918C>G (p.Pro640Ala)

Gene: CACNA1H (calcium voltage-gated channel subunit alpha1 H; plus strand). Cytogenetic location: 16p13.3.
Variant type: single nucleotide variant.
Coding change: c.1918C>G on transcript NM_021098.3 (MANE Select); coding-DNA position 1918, C replaced by G.
Protein change: p.Pro640Ala; replaces proline 640 with alanine.
Molecular consequence: missense variant.
Genome position (GRCh38, 1-based): chr16:1,202,368, C>G. VCF-style: chr16-1202368-C-G. GRCh37 (hg19) VCF-style: chr16-1252368-C-G.
Other names: c.1918C>G, p.Pro640Ala (NM_001005407.2); short protein forms P640A.
Identifiers: ClinVar variation 2270198 (VCV002270198.7), dbSNP rs370549651, ClinGen allele CA7800044.
Genomic context (GRCh38, chr16:1,202,368, plus strand): 5'-GGGGTGGGCAGCGGCAAAGGCAGCACCAGCCCCGGACCCAAGGGGAAGTGGGCCGGTGGA[C>G]CGCCAGGCACCGGGGGGCACGGCCCGTTGAGCTTGAACAGCCCTGATCCCTACGAGAAGA-3'
Protein context (NP_066921.2, residues 630-650): PGPKGKWAGG[Pro640Ala]PGTGGHGPLS